The following is an entry in ClinVar:

NM_024422.6(DSC2):c.776-12T>G

Gene: DSC2 (desmocollin 2; minus strand). Cytogenetic location: 18q12.1.
Variant type: single nucleotide variant.
Coding change: c.776-12T>G on transcript NM_024422.6 (MANE Select); 12 bases into the intron before coding-DNA position 776, T replaced by G.
Molecular consequence: intron variant.
Genome position (GRCh38, 1-based): chr18:31,086,754, A>C on the plus strand (T>G on the coding strand, the complement: DSC2 is on the minus strand). VCF-style: chr18-31086754-A-C. GRCh37 (hg19) VCF-style: chr18-28666717-A-C.
Other names: c.776-12T>G (NM_004949.5).
Identifiers: ClinVar variation 46196 (VCV000046196.15), dbSNP rs397517403, ClinGen allele CA022916.

ClinVar aggregate classification (germline): Conflicting classifications of pathogenicity. Review status: criteria provided, conflicting classifications (1 of 4 stars). 4 submissions from 4 submitters: Uncertain significance (1); Likely benign (3). Last evaluated 2025-09-22.

Conditions:
Familial isolated arrhythmogenic right ventricular dysplasia. Identifiers: Orphanet 217656, MedGen C4274968, MONDO:0016342.
Cardiomyopathy (CMYO). Also called: Cardiomyopathies. Identifiers: Orphanet 167848, MedGen C0878544, MONDO:0004994, HP:0001638. Inheritance: Various modes of inheritance.
Arrhythmogenic right ventricular dysplasia 11. Also called: ARRHYTHMOGENIC RIGHT VENTRICULAR DYSPLASIA, FAMILIAL, 11; Arrhythmogenic right ventricular dysplasia 11 with mild palmoplantar keratoderma and woolly hair; Arrhythmogenic Right Ventricular Dysplasia/Cardiomyopathy11. Identifiers: MedGen C1864850, MONDO:0012506, OMIM 610476.

Allele frequency attached by ClinVar (database versions not stated): gnomAD exomes 0.00003 and 0.00002; ExAC 0.00001; TOPMed 0.00003; gnomAD 0.00004 and 0.00003.
gnomAD v4.1: 50 of 1,612,974 alleles (0.0031%); highest among the groups gnomAD compares: Middle Eastern, 0.016%; no homozygotes.

Submissions (4):

Labcorp Genetics (formerly Invitae), Labcorp
Classification: Likely benign for Arrhythmogenic right ventricular dysplasia 11. Last evaluated: 2025-09-22. Review status: criteria provided, single submitter. Criteria: Invitae Variant Classification Sherloc (09022015). Collection method: clinical testing. Allele origin: germline.

All of Us Research Program, National Institutes of Health
Classification: Likely benign for Familial isolated arrhythmogenic right ventricular dysplasia. Last evaluated: 2024-01-11. Review status: criteria provided, single submitter. Criteria: ACMG Guidelines, 2015. Collection method: clinical testing. Allele origin: germline. Inheritance: Autosomal dominant inheritance. Observed: 9 variant alleles, 9 heterozygotes.
Comment: This study involves interpretation of variants in research participants for the purpose of population health screening. Participant phenotype was not available at the time of variant classification. Additional details can be found in publication PMID: 35346344, PMCID: PMC8962531

Laboratory for Molecular Medicine, Mass General Brigham Personalized Medicine
Classification: Uncertain significance. Last evaluated: 2020-08-04. Review status: criteria provided, single submitter. Criteria: LMM Criteria. Collection method: clinical testing. Allele origin: germline. Observed: 1 variant allele.
Comment: proposed classification - variant undergoing re-assessment, contact laboratory

Color Diagnostics, LLC DBA Color Health
Classification: Likely benign for Cardiomyopathy. Last evaluated: 2018-11-16. Review status: criteria provided, single submitter. Criteria: ACMG Guidelines, 2015. Collection method: clinical testing. Allele origin: germline.